The following is an entry in ClinVar:

ClinVar aggregate classification (germline): Uncertain significance. Review status: criteria provided, multiple submitters, no conflicts (2 of 4 stars). 3 submissions from 3 submitters: Uncertain significance (3). Last evaluated 2024-12-29.

Conditions:
Cardiovascular phenotype. Identifiers: MedGen CN230736.
Hereditary cancer-predisposing syndrome. Also called: Hereditary Cancer Syndrome; Hereditary neoplastic syndrome; Neoplastic Syndromes, Hereditary; Tumor predisposition. Identifiers: Orphanet 140162, MedGen C0027672, MeSH D009386, MONDO:0015356.

gnomAD v4.1: 1 of 1,594,400 alleles (0.000063%); highest among the groups gnomAD compares: Non-Finnish European, 0.000085%; no homozygotes.

Submissions (3):

Labcorp Genetics (formerly Invitae), Labcorp
Classification: Uncertain significance. Last evaluated: 2024-12-29. Review status: criteria provided, single submitter. Criteria: Invitae Variant Classification Sherloc (09022015). Collection method: clinical testing. Allele origin: germline.
Comment: This sequence change replaces valine, which is neutral and non-polar, with leucine, which is neutral and non-polar, at codon 499 of the LZTR1 protein (p.Val499Leu). This variant is not present in population databases (gnomAD no frequency). This variant has not been reported in the literature in individuals affected with LZTR1-related conditions. ClinVar contains an entry for this variant (Variation ID: 1773883). Invitae Evidence Modeling of protein sequence and biophysical properties (such as structural, functional, and spatial information, amino acid conservation, physicochemical variation, residue mobility, and thermodynamic stability) indicates that this missense variant is not expected to disrupt LZTR1 protein function with a negative predictive value of 80%. In summary, the available evidence is currently insufficient to determine the role of this variant in disease. Therefore, it has been classified as a Variant of Uncertain Significance.

ARUP Laboratories, Molecular Genetics and Genomics, ARUP Laboratories
Classification: Uncertain significance. Last evaluated: 2024-07-10. Review status: criteria provided, single submitter. Criteria: ARUP Molecular Germline Variant Investigation Process 2024. Collection method: clinical testing. Allele origin: germline.

Ambry Genetics
Classification: Uncertain significance for Cardiovascular phenotype; Hereditary cancer-predisposing syndrome. Last evaluated: 2023-10-05. Review status: criteria provided, single submitter. Criteria: Ambry Variant Classification Scheme 2023. Collection method: clinical testing. Allele origin: germline.
Comment: The p.V499L variant (also known as c.1495G>T), located in coding exon 14 of the LZTR1 gene, results from a G to T substitution at nucleotide position 1495. The valine at codon 499 is replaced by leucine, an amino acid with highly similar properties. This amino acid position is poorly conserved in available vertebrate species. In addition, this alteration is predicted to be tolerated by in silico analysis. Since supporting evidence is limited at this time, the clinical significance of this alteration remains unclear.

NM_006767.4(LZTR1):c.1495G>T (p.Val499Leu)

Gene: LZTR1 (leucine zipper like post translational regulator 1; plus strand). Cytogenetic location: 22q11.21.
Variant type: single nucleotide variant.
Coding change: c.1495G>T on transcript NM_006767.4 (MANE Select); coding-DNA position 1495, G replaced by T.
Protein change: p.Val499Leu; replaces valine 499 with leucine.
Molecular consequence: missense variant.
Genome position (GRCh38, 1-based): chr22:20,994,149, G>T. VCF-style: chr22-20994149-G-T. GRCh37 (hg19) VCF-style: chr22-21348438-G-T.
Other names: short protein forms V499L.
Identifiers: ClinVar variation 1773883 (VCV001773883.6), dbSNP rs773420178, ClinGen allele CA410775629.